The following is an entry in ClinVar:

NM_001378615.1(CC2D2A):c.3299G>T (p.Arg1100Leu)

Genes: CC2D2A (coiled-coil and C2 domain containing 2A; plus strand), FBXL5 (F-box and leucine rich repeat protein 5; minus strand). Cytogenetic location: 4p15.32.
Variant type: single nucleotide variant.
Coding change: c.3299G>T on transcript NM_001378615.1 (MANE Select); coding-DNA position 3299, G replaced by T.
Protein change: p.Arg1100Leu; replaces arginine 1100 with leucine.
Molecular consequence: missense variant.
Genome position (GRCh38, 1-based): chr4:15,567,687, G>T. VCF-style: chr4-15567687-G-T. GRCh37 (hg19) VCF-style: chr4-15569310-G-T.
Other names: c.3299G>T, p.Arg1100Leu (NM_001080522.2); c.3152G>T, p.Arg1051Leu (NM_001378617.1); short protein forms R1051L, R1100L.
Identifiers: ClinVar variation 3767119 (VCV003767119.3).

ClinVar aggregate classification (germline): Uncertain significance (1 of 4 stars; one submission).

Conditions:
COACH syndrome 2. Identifiers: MedGen C5436837, MONDO:0030859, OMIM 619111.
Meckel syndrome, type 6. Identifiers: Orphanet 564, MedGen C2676790, MONDO:0012848, OMIM 612284.
Joubert syndrome 9 (JBTS9). Identifiers: Orphanet 2318, MedGen C2676788, MONDO:0012849, OMIM 612285.
Retinitis pigmentosa 93. Identifiers: MedGen C5676970, MONDO:0030797, OMIM 619845.

Submission:

Juno Genomics, Hangzhou Juno Genomics, Inc
Classification: Uncertain significance for Retinitis pigmentosa 93; COACH syndrome 2; Joubert syndrome 9; Meckel syndrome, type 6. Review status: criteria provided, single submitter. Criteria: ACMG Guidelines, 2015. Collection method: clinical testing. Allele origin: germline. Affected: yes.
Comment: Absent from controls (or at extremely low frequency if recessive) in Genome Aggregation Database.;Multiple lines of computational evidence support a deleterious effect on the gene or gene product.;For recessive disorders, detected in trans with a pathogenic variant.;Patient's phenotype or family history is highly specific for a disease with a single genetic etiology.